The following is an entry in ClinVar:

NM_001277058.2(ERCC6):c.2554C>G (p.Pro852Ala)

Genes: PGBD3 (piggyBac transposable element derived 3; minus strand), ERCC6 (ERCC excision repair 6, chromatin remodeling factor; minus strand). Cytogenetic location: 10q11.23.
Variant type: single nucleotide variant.
Coding change: c.2554C>G on transcript NM_001277058.2 (MANE Plus Clinical); coding-DNA position 2554, C replaced by G.
Protein change: p.Pro852Ala; replaces proline 852 with alanine.
Molecular consequence: missense variant. On other transcripts: intron variant (2).
Genome position (GRCh38, 1-based): chr10:49,515,965, G>C on the plus strand (C>G on the coding strand, the complement: ERCC6 is on the minus strand). VCF-style: chr10-49515965-G-C. GRCh37 (hg19) VCF-style: chr10-50724011-G-C.
Other names: c.2554C>G, p.Pro852Ala (NM_001277059.2); c.1150C>G, p.Pro384Ala (NM_170753.3); c.1397+8068C>G (NM_001346440.2, NM_000124.4); short protein forms P384A, P852A.
Identifiers: ClinVar variation 3771783 (VCV003771783.13).

ClinVar aggregate classification (germline): Uncertain significance (1 of 4 stars; one submission).

Submission:

CeGaT Center for Human Genetics Tuebingen
Classification: Uncertain significance. Last evaluated: 2025-02-01. Review status: criteria provided, single submitter. Criteria: CeGaT Center For Human Genetics Tuebingen Variant Classification Criteria Version 2. Collection method: clinical testing. Allele origin: germline. Affected: yes. Observed: 1 variant allele.
Comment: ERCC6: PM2, BP4